The following is an entry in ClinVar:

ClinVar aggregate classification (germline): Conflicting classifications of pathogenicity. Review status: criteria provided, conflicting classifications (1 of 4 stars). 2 submissions from 2 submitters: Likely pathogenic (1); Uncertain significance (1). Last evaluated 2025-01-19.

Conditions:
Autosomal recessive limb-girdle muscular dystrophy type 2J (LGMDR10). Also called: Limb-girdle muscular dystrophy, type 2J; MUSCULAR DYSTROPHY, LIMB-GIRDLE, AUTOSOMAL RECESSIVE 10. Identifiers: Orphanet 140922, MedGen C1837342, MONDO:0012127, OMIM 608807.
Dilated cardiomyopathy 1G (CMD1G). Identifiers: Orphanet 154, MedGen C1858763, MONDO:0011400, OMIM 604145.

Allele frequency attached by ClinVar (database versions not stated): gnomAD exomes below 0.00001.
gnomAD v4.1: 1 of 1,467,554 alleles (0.000068%); highest among the groups gnomAD compares: Admixed American, 0.0026%; no homozygotes.

Submissions (2):

Labcorp Genetics (formerly Invitae), Labcorp
Classification: Likely pathogenic for Dilated cardiomyopathy 1G; Autosomal recessive limb-girdle muscular dystrophy type 2J. Last evaluated: 2025-01-19. Review status: criteria provided, single submitter. Criteria: Invitae Variant Classification Sherloc (09022015). Collection method: clinical testing. Allele origin: germline.
Comment: This sequence change affects a donor splice site in intron 224 of the TTN gene. It is expected to disrupt RNA splicing and likely results in a truncated or disrupted TTN protein. This variant is not present in population databases (gnomAD no frequency). This variant has not been observed in the literature in individuals with autosomal recessive TTN-related conditions. This variant has been reported in individual(s) with dilated cardiomyopathy (internal data); however, the role of the variant in this condition is currently unclear. ClinVar contains an entry for this variant (Variation ID: 467127). Algorithms developed to predict the effect of sequence changes on RNA splicing suggest that this variant may disrupt the consensus splice site. This variant is located in the I band of TTN (PMID: 25589632). Truncating variants in this region have been reported in individuals affected with autosomal recessive centronuclear myopathy (PMID: 23975875, internal data). Truncating variants in this region have also been identified in individuals affected with autosomal dominant dilated cardiomyopathy and/or cardio-related conditions (PMID: 27869827, 32964742, internal data). In summary, the currently available evidence indicates that the variant is pathogenic, but additional data are needed to prove that conclusively. Therefore, this variant has been classified as Likely Pathogenic.

Athena Diagnostics
Classification: Uncertain significance. Last evaluated: 2020-03-10. Review status: criteria provided, single submitter. Criteria: Athena Diagnostics Criteria. Collection method: clinical testing. Allele origin: unknown.

Literature cited by the submitters: PubMed 25589632 (cited by Labcorp Genetics (formerly Invitae), Labcorp); PubMed 23975875 (cited by Labcorp Genetics (formerly Invitae), Labcorp); PubMed 27869827 (cited by Labcorp Genetics (formerly Invitae), Labcorp); PubMed 32964742 (cited by Labcorp Genetics (formerly Invitae), Labcorp).

NM_001267550.2(TTN):c.40927+1G>A

Gene: TTN (titin; minus strand). Cytogenetic location: 2q31.2.
Variant type: single nucleotide variant.
Coding change: c.40927+1G>A on transcript NM_001267550.2 (MANE Select); the canonical splice donor site of the intron after coding-DNA position 40927, G replaced by A.
Molecular consequence: splice donor variant.
Genome position (GRCh38, 1-based): chr2:178,637,368, C>T on the plus strand (G>A on the coding strand, the complement: TTN is on the minus strand). VCF-style: chr2-178637368-C-T. GRCh37 (hg19) VCF-style: chr2-179502095-C-T.
Other names: c.13732+1G>A (NM_003319.4); c.14308+1G>A (NM_133437.4); c.14107+1G>A (NM_133432.3); c.33223+1G>A (NM_133378.4); c.36004+1G>A (NM_001256850.1).
Identifiers: ClinVar variation 467127 (VCV000467127.13), dbSNP rs1553749862, ClinGen allele CA349662073.